The following is an entry in ClinVar:

NM_001846.4(COL4A2):c.4151_4168del (p.Thr1384_Gly1389del)

Genes: COL4A2 (collagen type IV alpha 2 chain; plus strand), COL4A2-AS1 (COL4A2 antisense RNA 1; minus strand). Cytogenetic location: 13q34.
Variant type: Deletion.
Coding change: c.4151_4168del on transcript NM_001846.4 (MANE Select); coding-DNA positions 4151 to 4168, 18 bases deleted (CTGTGGGAGCCCCCGGGA).
Protein change: p.Thr1384_Gly1389del.
Molecular consequence: inframe deletion.
Genome position (GRCh38, 1-based): chr13:110,503,859-110,503,876, CTGTGGGAGCCCCCGGGA deleted; deleting any 18 consecutive bases within chr13:110,503,849-110,503,876 gives the same sequence; the c. name uses the placement nearest the transcript's 3' end. VCF-style (leftmost placement, unchanged base first): chr13-110503848-TGCCCCCGGGACTGTGGGA-T. GRCh37 (hg19) VCF-style: chr13-111156195-TGCCCCCGGGACTGTGGGA-T.
Identifiers: ClinVar variation 996003 (VCV000996003.3), dbSNP rs2139553210, ClinGen allele CA2499221947.

ClinVar aggregate classification (germline): Likely pathogenic. Review status: criteria provided, single submitter (1 of 4 stars). 2 submissions from 2 submitters: Likely pathogenic (1). 1 of the submissions does not count toward it. Last evaluated 2021-05-12.

Conditions:
Intraventricular hemorrhage. Identifiers: MedGen C0240059, HP:0030746.
Brain small vessel disease 2A, autosomal dominant. Also called: Porencephaly 2. Identifiers: Orphanet 2940, Orphanet 99810, MedGen C3280970, MONDO:0013773, OMIM 614483.

Submissions (2):

Genetics Institute, Tel Aviv Sourasky Medical Center
Classification: Likely pathogenic for Intraventricular hemorrhage. Last evaluated: 2021-05-12. Review status: criteria provided, single submitter. Criteria: ACMG Guidelines, 2015. Collection method: clinical testing. Allele origin: inherited. Inheritance: Autosomal dominant inheritance.

Variantyx, Inc.
Classification: Likely pathogenic for Brain small vessel disease 2A, autosomal dominant. Last evaluated: 2021-01-21. Review status: no assertion criteria provided. Collection method: research. Allele origin: paternal. Inheritance: Autosomal dominant inheritance. Affected: yes. Observed: 1 variant allele, 1 heterozygote. Not counted in ClinVar's aggregate classification.
Comment: The variant c.4151_4168del, p.Thr1384_Gly1389del is an in-frame deletion in the COL4A2 gene. The variant satisfies the following lines of evidence: absent from controls or at very low frequency if recessive or late-onset (PM2), patientâ€™s phenotype or family history is highly specific for a disease with a single genetic etiology (PP4), protein length changes due to in-frame deletions/insertions in a non-repeat region or stop-loss variants (PM4), co-segregation with disease in multiple affected family members in a gene definitively known to cause the disease (PP1, applied as Moderate: 10 individuals in 3 generations). Based on the ACMG guidelines, the evidence is considered sufficient for classification of this variant as Likely Pathogenic.

Literature cited by the submitters: PubMed 33527515 (cited by Variantyx, Inc.).